The following is an entry in ClinVar:

ClinVar aggregate classification (germline): Conflicting classifications of pathogenicity. Review status: criteria provided, conflicting classifications (1 of 4 stars). 22 submissions from 22 submitters: Uncertain significance (20); Likely benign (1). 1 of the submissions does not count toward it. Last evaluated 2026-08-28.

Conditions:
Fanconi anemia complementation group J. Also called: BRIP1-Related Fanconi Anemia. Identifiers: Orphanet 84, MedGen C1836860, MONDO:0012187, OMIM 609054.
Ovarian cancer. Also called: OVARIAN CANCER, SOMATIC. Identifiers: Orphanet 213500, MedGen C1140680, MONDO:0008170, OMIM 167000.
BRIP1-related disorder. Also called: BRIP1-related condition; BRIP1-related disorders. Identifiers: MedGen CN239206.
Familial ovarian cancer. Identifiers: MedGen C5679802, MONDO:0016248.
Hereditary cancer-predisposing syndrome. Also called: Hereditary neoplastic syndrome; Neoplastic Syndromes, Hereditary; Tumor predisposition; Hereditary Cancer Syndrome. Identifiers: Orphanet 140162, MedGen C0027672, MeSH D009386, MONDO:0015356.
Familial cancer of breast. Also called: hereditary breast carcinoma; BREAST CANCER, FAMILIAL; Hereditary breast cancer. Identifiers: Orphanet 227535, MedGen C0346153, MONDO:0016419, OMIM 114480. Disease mechanism: loss of function.

Allele frequency attached by ClinVar (database versions not stated): gnomAD exomes 0.00008 and 0.00004; gnomAD 0.00006; ExAC 0.00007; TOPMed 0.00007.
gnomAD v4.1: 67 of 1,613,708 alleles (0.0042%); highest among the groups gnomAD compares: Admixed American, 0.02%; no homozygotes.

Submissions 1 to 7 of 22:

PreventionGenetics, part of Exact Sciences
Classification: Uncertain significance for BRIP1-related condition. Last evaluated: 2026-08-28. Review status: criteria provided, single submitter. Criteria: ACMG Guidelines, 2015. Collection method: clinical testing. Allele origin: germline.
Comment: The BRIP1 c.2233G>A variant is predicted to result in the amino acid substitution p.Ala745Thr. This variant has been reported in individuals with hereditary breast cancer and/or ovarian cancer and pancreatic cancer (Catucci et al. 2012. PubMed ID: 22692731; Table S4, Ramus et al. 2015. PubMed ID: 26315354; Table S1, Easton et al. 2016. PubMed ID: 26921362; Tables S4 and S5, Maxwell et al. 2016. PubMed ID: 27153395; Table S3, Weber-Lassalle et al. 2018. PubMed ID: 29368626; Moyer et al. 2019. PubMed ID: 31822495; Table e4, Yin et al. 2022. PubMed ID: 35171259). It has also been reported as uncertain in an individual undergoing hereditary cancer testing (Table S5, Tsaousis et al. 2019. PubMed ID: 31159747). However, this variant has also been reported in control individuals (Table S3, Weber-Lassalle et al. 2018. PubMed ID: 29368626). Functional studies suggest that this variant does not impact BRIP1 protein function (Moyer et al. 2019. PubMed ID: 31822495). This variant is reported in 0.096% of alleles in individuals of Ashkenazi Jewish descent in gnomAD and has conflicting interpretations in ClinVar ranging from likely benign to uncertain (Variation ID: 128169). Although we suspect that this variant may be benign, at this time, the clinical significance of this variant is uncertain due to the absence of conclusive functional and genetic evidence.

Hema, HEMA – Genetic and Molecular Diagnostic Laboratory
Classification: Uncertain significance for Familial ovarian cancer. Last evaluated: 2026-05-28. Review status: criteria provided, single submitter. Criteria: HEMA Variant Classification Assertion Criteria. Collection method: clinical testing. Allele origin: germline.
Comment: The c.2233G>A p.(Ala745Thr) variant is a transition from guanine to adenine, resulting in the substitution of alanine 745 with threonine. This variant is classified as a variant of uncertain significance as it does not meet criteria for pathogenicity or benignity.

Labcorp Genetics (formerly Invitae), Labcorp
Classification: Uncertain significance for Familial cancer of breast; Fanconi anemia complementation group J. Last evaluated: 2026-01-10. Review status: criteria provided, single submitter. Criteria: Invitae Variant Classification Sherloc (09022015). Collection method: clinical testing. Allele origin: germline.
Comment: This sequence change replaces alanine, which is neutral and non-polar, with threonine, which is neutral and polar, at codon 745 of the BRIP1 protein (p.Ala745Thr). The frequency data for this variant in the population databases is considered unreliable, as metrics indicate poor data quality at this position in the gnomAD database. This missense change has been observed in individual(s) with breast cancer and ovarian cancer (PMID: 22692731, 26315354, 30982232, 31822495). ClinVar contains an entry for this variant (Variation ID: 128169). Invitae Evidence Modeling of protein sequence and biophysical properties (such as structural, functional, and spatial information, amino acid conservation, physicochemical variation, residue mobility, and thermodynamic stability) indicates that this missense variant is not expected to disrupt BRIP1 protein function with a negative predictive value of 95%. Experimental studies have shown that this missense change does not substantially affect BRIP1 function (PMID: 31822495). In summary, the available evidence is currently insufficient to determine the role of this variant in disease. Therefore, it has been classified as a Variant of Uncertain Significance.

Molecular Diagnostics Laboratory, Catalan Institute of Oncology
Classification: Uncertain significance for Hereditary cancer-predisposing syndrome. Last evaluated: 2025-06-24. Review status: criteria provided, single submitter. Criteria: ACMG Guidelines, 2015. Collection method: clinical testing. Allele origin: germline.
Comment: BS3_Supporting c.2233G>A, located in exon 15 of the BRIP1 gene, is predicted to result in the substitution of Ala by Thr at codon 745, p.(Ala745Thr). This variant is found in 22/268076 alleles at a frequency of 0.0082% in the gnomAD v2.1.1 database, non-cancer dataset. The SpliceAI algorithm predicts no significant impact on splicing and the REVEL meta-predictor score (0.58) for this variant is indeterminate regarding the effect that it may have on protein function according Pejaver 2022 thresholds (PMID: 36413997). In a functional experiment consisting in transient rescue assay using MMC and puromycin, c.2233G>A variant showed a protein half-live and a clone growth after treatment similar to wt control (PMID: 31822495) (BS3_Supporting). Although, in a coimmunoprecipitation experiment the variant showed moderate reduction in AND-1 binding (PMID: 38177925). In addition, the variant has been reported in the ClinVar (1x likely benign, 18x uncertain significance) and LOVD (1x uncertain significance) databases. Based on currently available information, the variant c.2233G>A should be considered an uncertain significance variant.

GeneDx
Classification: Uncertain significance. Last evaluated: 2025-04-24. Review status: criteria provided, single submitter. Criteria: GeneDx Variant Classification Process June 2021. Collection method: clinical testing. Allele origin: germline. Affected: yes.
Comment: Observed in individuals with a personal or family history of breast, ovarian, and other cancers, but also in unaffected controls (PMID: 31822495, 29368626, 26921362, 26315354, 22692731, 30982232, 33471991, 35171259, 38136308); Published functional studies demonstrate protein stability, lack of mitomycin C and cisplatin sensitivity similar to wild-type, and conflicting impact on protein expression (PMID: 31822495, 38177925); In silico analysis indicates that this missense variant does not alter protein structure/function; This variant is associated with the following publications: (PMID: 22895193, 26709662, 22692731, 25846551, 26315354, 25957691, 26832770, 27153395, 26921362, 28420421, 28873162, 29368626, 31159747, 31822495, 33471991, 30982232, 36907870, 35171259, 38177925, 38136308)

Women's Health and Genetics/Laboratory Corporation of America, LabCorp
Classification: Uncertain significance. Last evaluated: 2025-04-24. Review status: criteria provided, single submitter. Criteria: LabCorp Variant Classification Summary - May 2015. Collection method: clinical testing. Allele origin: germline.
Comment: Variant summary: BRIP1 c.2233G>A (p.Ala745Thr) results in a non-conservative amino acid change located in the ATP-dependent helicase, C-terminal of the encoded protein sequence. Four of five in-silico tools predict a damaging effect of the variant on protein function. The variant allele was found at a frequency of 8.4e-05 in 251244 control chromosomes (gnomAD). This frequency is not significantly higher than estimated for a pathogenic variant in BRIP1 causing Fanconi Anemia Complementation Group J (8.4e-05 vs 0.0004), allowing no conclusion about variant significance. c.2233G>A has been reported in the literature in individuals affected with BRIP1-associated cancers (Ramus_2015, Maxwell_2016, Easton_2016, Catucci_2012, Weber-Lassalle_2018, Moyer_2020). These report(s) do not provide unequivocal conclusions about association of the variant with Fanconi Anemia Complementation Group J. Co-occurrence with another pathogenic variant has been reported (BRCA2 c.5946delT, p.Ser1982fsX22), providing supporting evidence for a benign role. In functional studies, the variant did not significantly affect protein function (Moyer_2020). The following publications have been ascertained in the context of this evaluation (PMID: 25846551, 22692731, 26921362, 27153395, 26709662, 26315354, 29368626, 31822495). ClinVar contains an entry for this variant (Variation ID: 128169). Based on the evidence outlined above, the variant was classified as VUS-possibly benign.

Center for Genomic Medicine, Rigshospitalet, Copenhagen University Hospital
Classification: Uncertain significance. Last evaluated: 2025-03-04. Review status: criteria provided, single submitter. Criteria: ACMG Guidelines, 2015. Collection method: clinical testing. Allele origin: germline.

NM_032043.3(BRIP1):c.2233G>A (p.Ala745Thr)

Gene: BRIP1 (BRCA1 interacting DNA helicase 1; minus strand). Cytogenetic location: 17q23.2.
Variant type: single nucleotide variant.
Coding change: c.2233G>A on transcript NM_032043.3 (MANE Select); coding-DNA position 2233, G replaced by A.
Protein change: p.Ala745Thr; replaces alanine 745 with threonine.
Molecular consequence: missense variant.
Genome position (GRCh38, 1-based): chr17:61,744,456, C>T on the plus strand (G>A on the coding strand, the complement: BRIP1 is on the minus strand). VCF-style: chr17-61744456-C-T. GRCh37 (hg19) VCF-style: chr17-59821817-C-T.
Other names: p.A745T:GCA>ACA; short protein forms A745T.
Identifiers: ClinVar variation 128169 (VCV000128169.50), dbSNP rs587780235, ClinGen allele CA208855.